The following is an entry in ClinVar:

NM_025132.4(WDR19):c.2729+1G>A

Gene: WDR19 (WD repeat domain 19; plus strand). Cytogenetic location: 4p14.
Variant type: single nucleotide variant.
Coding change: c.2729+1G>A on transcript NM_025132.4 (MANE Select); the canonical splice donor site of the intron after coding-DNA position 2729, G replaced by A.
Molecular consequence: splice donor variant.
Genome position (GRCh38, 1-based): chr4:39,245,453, G>A. VCF-style: chr4-39245453-G-A. GRCh37 (hg19) VCF-style: chr4-39247073-G-A.
Other names: c.2249+1G>A (NM_001317924.2).
Identifiers: ClinVar variation 3761752 (VCV003761752.2).

ClinVar aggregate classification (germline): Likely pathogenic (1 of 4 stars; one submission).

Conditions:
Senior-Loken syndrome 8 (SLSN8). Identifiers: Orphanet 3156, MedGen C4225376, MONDO:0014579, OMIM 616307.
Asphyxiating thoracic dystrophy 5 (SRTD5). Also called: SHORT-RIB THORACIC DYSPLASIA 5 WITH OR WITHOUT POLYDACTYLY; SHORT-RIB THORACIC DYSPLASIA 5 WITHOUT POLYDACTYLY. Identifiers: Orphanet 474, MedGen C3280598, MONDO:0013717, OMIM 614376.

Submission:

Labcorp Genetics (formerly Invitae), Labcorp
Classification: Likely pathogenic for Senior-Loken syndrome 8; Asphyxiating thoracic dystrophy 5. Last evaluated: 2024-05-04. Review status: criteria provided, single submitter. Criteria: Invitae Variant Classification Sherloc (09022015). Collection method: clinical testing. Allele origin: germline.
Comment: This sequence change affects a donor splice site in intron 24 of the WDR19 gene. It is expected to disrupt RNA splicing. Variants that disrupt the donor or acceptor splice site typically lead to a loss of protein function (PMID: 16199547), and loss-of-function variants in WDR19 are known to be pathogenic (PMID: 22019273, 23559409, 23683095, 26275793, 27241786, 29068549). This variant is not present in population databases (gnomAD no frequency). This variant has not been reported in the literature in individuals affected with WDR19-related conditions. Algorithms developed to predict the effect of sequence changes on RNA splicing suggest that this variant may disrupt the consensus splice site. In summary, the currently available evidence indicates that the variant is pathogenic, but additional data are needed to prove that conclusively. Therefore, this variant has been classified as Likely Pathogenic.

Literature cited by the submitters: PubMed 16199547; PubMed 22019273; PubMed 23559409; PubMed 23683095; PubMed 26275793; PubMed 27241786; PubMed 29068549.